The following is an entry in ClinVar:

NM_016417.3(GLRX5):c.242G>A (p.Gly81Asp)

Gene: GLRX5 (glutaredoxin 5; plus strand). Cytogenetic location: 14q32.13.
Variant type: single nucleotide variant.
Coding change: c.242G>A on transcript NM_016417.3 (MANE Select); coding-DNA position 242, G replaced by A.
Protein change: p.Gly81Asp; replaces glycine 81 with aspartic acid.
Molecular consequence: missense variant.
Genome position (GRCh38, 1-based): chr14:95,535,331, G>A. VCF-style: chr14-95535331-G-A. GRCh37 (hg19) VCF-style: chr14-96001668-G-A.
Other names: short protein forms G81D.
Identifiers: ClinVar variation 2513149 (VCV002513149.3), dbSNP rs373063118, ClinGen allele CA7333901.

ClinVar aggregate classification (germline): Uncertain significance. Review status: criteria provided, multiple submitters, no conflicts (2 of 4 stars). 2 submissions from 2 submitters: Uncertain significance (2). Last evaluated 2024-05-16.

Allele frequency attached by ClinVar (database versions not stated): gnomAD 0.00004; gnomAD exomes 0.00004; TOPMed 0.00005; ExAC 0.00006; ESP Exome Variant Server 0.00008.

Submissions (2):

GeneDx
Classification: Uncertain significance. Last evaluated: 2024-05-16. Review status: criteria provided, single submitter. Criteria: GeneDx Variant Classification Process June 2021. Collection method: clinical testing. Allele origin: germline. Affected: yes.
Comment: Not observed at significant frequency in large population cohorts (gnomAD); In silico analysis supports that this missense variant has a deleterious effect on protein structure/function; Has not been previously published as pathogenic or benign to our knowledge

Ambry Genetics
Classification: Uncertain significance. Last evaluated: 2023-03-31. Review status: criteria provided, single submitter. Criteria: Ambry Variant Classification Scheme 2023. Collection method: clinical testing. Allele origin: germline.